The following is an entry in ClinVar:

NM_000702.4(ATP1A2):c.2424C>A (p.Asp808Glu)

Gene: ATP1A2 (ATPase Na+/K+ transporting subunit alpha 2; plus strand). Cytogenetic location: 1q23.2.
Variant type: single nucleotide variant.
Coding change: c.2424C>A on transcript NM_000702.4 (MANE Select); coding-DNA position 2424, C replaced by A.
Protein change: p.Asp808Glu; replaces aspartic acid 808 with glutamic acid.
Molecular consequence: missense variant.
Genome position (GRCh38, 1-based): chr1:160,135,978, C>A. VCF-style: chr1-160135978-C-A. GRCh37 (hg19) VCF-style: chr1-160105768-C-A.
Other names: short protein forms D808E.
Identifiers: ClinVar variation 2051917 (VCV002051917.4), dbSNP rs1570994712, ClinGen allele CA343250880.
Genomic context (GRCh38, chr1:160,135,978, plus strand): 5'-GCTGTTCATCATTGCCAACATCCCCCTACCTCTGGGCACTGTGACCATCCTTTGCATTGA[C>A]CTGGGCACAGATATGGTGAGCGCAGGAGGTGGAGGAGGGGACAGGCAAGGCAATCGTGAT-3'
Protein context (NP_000693.1, residues 798-818): PLGTVTILCI[Asp808Glu]LGTDMVPAIS

ClinVar aggregate classification (germline): Uncertain significance (1 of 4 stars; one submission).

Conditions:
Familial hemiplegic migraine. Identifiers: MedGen C0338484, MONDO:0000700.

Submission:

Labcorp Genetics (formerly Invitae), Labcorp
Classification: Uncertain significance for Familial hemiplegic migraine. Last evaluated: 2021-12-21. Review status: criteria provided, single submitter. Criteria: Invitae Variant Classification Sherloc (09022015). Collection method: clinical testing. Allele origin: germline.
Comment: This variant has not been reported in the literature in individuals affected with ATP1A2-related conditions. Algorithms developed to predict the effect of missense changes on protein structure and function (SIFT, PolyPhen-2, Align-GVGD) all suggest that this variant is likely to be disruptive. In summary, the available evidence is currently insufficient to determine the role of this variant in disease. Therefore, it has been classified as a Variant of Uncertain Significance. This variant is not present in population databases (gnomAD no frequency). This sequence change replaces aspartic acid, which is acidic and polar, with glutamic acid, which is acidic and polar, at codon 808 of the ATP1A2 protein (p.Asp808Glu).